The following is an entry in ClinVar:

ClinVar aggregate classification (germline): Pathogenic (1 of 4 stars; one submission).

Conditions:
Charcot-Marie-Tooth disease axonal type 2V. Also called: CHARCOT-MARIE-TOOTH NEUROPATHY, TYPE 2V; CHARCOT-MARIE-TOOTH DISEASE, AXONAL, AUTOSOMAL DOMINANT, TYPE 2V. Identifiers: Orphanet 447964, MedGen C5569050, MONDO:0014665, OMIM 616491.
Mucopolysaccharidosis, MPS-III-B (MPS3B). Also called: N-ACETYL-ALPHA-D-GLUCOSAMINIDASE DEFICIENCY; NAGLU DEFICIENCY; SANFILIPPO SYNDROME B; MPS III B; Mucopolysaccharidosis type IIIB (Sanfilippo B); MUCOPOLYSACCHARIDOSIS, TYPE IIIB. Identifiers: Orphanet 79270, MedGen C0086648, MONDO:0009656, OMIM 252920.

Submission:

Labcorp Genetics (formerly Invitae), Labcorp
Classification: Pathogenic for Charcot-Marie-Tooth disease axonal type 2V; Mucopolysaccharidosis, MPS-III-B. Last evaluated: 2023-09-04. Review status: criteria provided, single submitter. Criteria: Invitae Variant Classification Sherloc (09022015). Collection method: clinical testing. Allele origin: germline.
Comment: For these reasons, this variant has been classified as Pathogenic. This variant has not been reported in the literature in individuals affected with NAGLU-related conditions. This sequence change creates a premature translational stop signal (p.Pro250Argfs*27) in the NAGLU gene. It is expected to result in an absent or disrupted protein product. Loss-of-function variants in NAGLU are known to be pathogenic (PMID: 9832037, 10094189, 16151907). This variant is not present in population databases (gnomAD no frequency).

Literature cited by the submitters: PubMed 9832037; PubMed 10094189; PubMed 16151907.

NM_000263.4(NAGLU):c.736_748dup (p.Pro250fs)

Gene: NAGLU (N-acetyl-alpha-glucosaminidase; plus strand). Cytogenetic location: 17q21.2.
Variant type: Duplication.
Coding change: c.736_748dup on transcript NM_000263.4 (MANE Select); coding-DNA positions 736 to 748, 13 bases duplicated (GCGGGGCATGTTC).
Protein change: p.Pro250fs; shifts the reading frame from proline 250.
Molecular consequence: frameshift variant.
Genome position (GRCh38, 1-based): chr17:42,538,727-42,538,739, GCGGGGCATGTTC duplicated; duplicating any 13 consecutive bases within chr17:42,538,724-42,538,739 gives the same sequence; the c. name uses the placement nearest the transcript's 3' end. VCF-style (leftmost placement, unchanged base first): chr17-42538723-A-ATTCGCGGGGCATG. GRCh37 (hg19) VCF-style: chr17-40690741-A-ATTCGCGGGGCATG.
Other names: short protein forms P250fs.
Identifiers: ClinVar variation 2951600 (VCV002951600.3), dbSNP rs2510653897, ClinGen allele CA2740095354.